The following is an entry in ClinVar:

ClinVar aggregate classification (germline): Uncertain significance (1 of 4 stars; one submission).

Conditions:
Intellectual disability. Also called: Intellectual functioning disability; Intellectual developmental disorder; intellectual disabilities. Identifiers: MedGen C3714756, MeSH D008607, MONDO:0001071, HP:0001249.

Submission:

Labcorp Genetics (formerly Invitae), Labcorp
Classification: Uncertain significance for Intellectual disability. Last evaluated: 2021-08-28. Review status: criteria provided, single submitter. Criteria: Invitae Variant Classification Sherloc (09022015). Collection method: clinical testing. Allele origin: germline.
Comment: In summary, the available evidence is currently insufficient to determine the role of this variant in disease. Therefore, it has been classified as a Variant of Uncertain Significance. Advanced modeling of protein sequence and biophysical properties (such as structural, functional, and spatial information, amino acid conservation, physicochemical variation, residue mobility, and thermodynamic stability) performed at Invitae indicates that this missense variant is not expected to disrupt GABRB2 protein function. This variant has not been reported in the literature in individuals affected with GABRB2-related conditions. This variant is not present in population databases (ExAC no frequency). This sequence change replaces isoleucine with serine at codon 49 of the GABRB2 protein (p.Ile49Ser). The isoleucine residue is highly conserved and there is a large physicochemical difference between isoleucine and serine.

NM_001371727.1(GABRB2):c.146T>G (p.Ile49Ser)

Gene: GABRB2 (gamma-aminobutyric acid type A receptor subunit beta2; minus strand). Cytogenetic location: 5q34.
Variant type: single nucleotide variant.
Coding change: c.146T>G on transcript NM_001371727.1 (MANE Select); coding-DNA position 146, T replaced by G.
Protein change: p.Ile49Ser; replaces isoleucine 49 with serine.
Molecular consequence: missense variant.
Genome position (GRCh38, 1-based): chr5:161,546,345, A>C on the plus strand (T>G on the coding strand, the complement: GABRB2 is on the minus strand). VCF-style: chr5-161546345-A-C. GRCh37 (hg19) VCF-style: chr5-160973351-A-C.
Other names: c.146T>G, p.Ile49Ser (NM_000813.3, NM_021911.3); short protein forms I49S.
Identifiers: ClinVar variation 1445161 (VCV001445161.6), dbSNP rs2113490140, ClinGen allele CA362172573.